The following is an entry in ClinVar:

ClinVar aggregate classification (germline): Uncertain significance (1 of 4 stars; one submission).

Conditions:
Hereditary diffuse gastric adenocarcinoma (HDGC). Also called: DIFFUSE GASTRIC AND LOBULAR BREAST CANCER SYNDROME. Identifiers: Orphanet 26106, MedGen C1708349, MONDO:0007648, OMIM 137215.

Submission:

Labcorp Genetics (formerly Invitae), Labcorp
Classification: Uncertain significance for Hereditary diffuse gastric adenocarcinoma. Last evaluated: 2024-10-22. Review status: criteria provided, single submitter. Criteria: Invitae Variant Classification Sherloc (09022015). Collection method: clinical testing. Allele origin: germline.
Comment: This sequence change replaces glutamic acid, which is acidic and polar, with lysine, which is basic and polar, at codon 210 of the CDH1 protein (p.Glu210Lys). This variant is not present in population databases (gnomAD no frequency). This variant has not been reported in the literature in individuals affected with CDH1-related conditions. An algorithm developed to predict the effect of missense changes on protein structure and function outputs the following: PolyPhen-2: "Benign". The lysine amino acid residue is found in multiple mammalian species, which suggests that this missense change does not adversely affect protein function. In summary, the available evidence is currently insufficient to determine the role of this variant in disease. Therefore, it has been classified as a Variant of Uncertain Significance.

NM_004360.5(CDH1):c.628G>A (p.Glu210Lys)

Gene: CDH1 (cadherin 1; plus strand). Cytogenetic location: 16q22.1.
Variant type: single nucleotide variant.
Coding change: c.628G>A on transcript NM_004360.5 (MANE Select); coding-DNA position 628, G replaced by A.
Protein change: p.Glu210Lys; replaces glutamic acid 210 with lysine.
Molecular consequence: missense variant. On other transcripts: 5 prime UTR variant (2).
Genome position (GRCh38, 1-based): chr16:68,808,789, G>A. VCF-style: chr16-68808789-G-A. GRCh37 (hg19) VCF-style: chr16-68842692-G-A.
Other names: c.628G>A, p.Glu210Lys (NM_001317184.2); c.-988G>A (NM_001317185.2); c.-1192G>A (NM_001317186.2); short protein forms E210K.
Identifiers: ClinVar variation 3672782 (VCV003672782.2).